The following is an entry in ClinVar:

ClinVar aggregate classification (germline): Uncertain significance (0 of 4 stars; one submission).

Conditions:
FOXF1-related disorder. Also called: FOXF1-related condition.

Submission:

PreventionGenetics, part of Exact Sciences
Classification: Uncertain significance for FOXF1-related condition. Last evaluated: 2024-08-30. Review status: no assertion criteria provided. Collection method: clinical testing. Allele origin: germline.
Comment: The FOXF1 c.48_59dup12 variant is predicted to result in an in-frame duplication (p.Gly20_Gly23dup). To our knowledge, this variant has not been reported in the literature or in a large population database, indicating this variant is rare. At this time, the clinical significance of this variant is uncertain due to the absence of conclusive functional and genetic evidence.

NM_001451.3(FOXF1):c.36CGG[12] (p.Gly23_Ala24insGlyGlyGlyGly)

Gene: FOXF1 (forkhead box F1; plus strand). Cytogenetic location: 16q24.1.
Variant type: Microsatellite.
Coding change: c.36CGG[12] on transcript NM_001451.3 (MANE Select); 12 copies in a row of the 3-base unit CGG starting at c.36; the reference has eight copies in a row; four copies, 12 bases duplicated.
Protein change: p.Gly23_Ala24insGlyGlyGlyGly.
Molecular consequence: inframe insertion.
Genome position (GRCh38, 1-based): chr16:86,510,617-86,510,628, CGGCGGCGGCGG duplicated; duplicating any 12 consecutive bases within chr16:86,510,605-86,510,628 gives the same sequence; the position shown is the placement nearest the transcript's 3' end. VCF-style (leftmost placement, unchanged base first): chr16-86510604-A-ACGGCGGCGGCGG. GRCh37 (hg19) VCF-style: chr16-86544210-A-ACGGCGGCGGCGG.
Identifiers: ClinVar variation 3355054 (VCV003355054.1).
Genomic context (GRCh38, chr16:86,510,604, plus strand): 5'-GCGGCGGCGGCGGCAGCAGCCACCCGATGTCTTCGGCGCCCGAGAAGCAGCAGCCACCGC[A>ACGGCGGCGGCGG]CGGCGGCGGCGGCGGCGGCGGCGGGGGAGGCGGCGCGGCCATGGACCCCGCGTCGTCCGG-3'